The following is an entry in ClinVar:

ClinVar aggregate classification (germline): Uncertain significance. Review status: criteria provided, multiple submitters, no conflicts (2 of 4 stars). 2 submissions from 2 submitters: Uncertain significance (2). Last evaluated 2023-07-25.

Allele frequency attached by ClinVar (database versions not stated): gnomAD 0.00001; TOPMed 0.00001; gnomAD exomes 0.00002.
gnomAD v4.1: 6 of 1,614,018 alleles (0.00037%); highest among the groups gnomAD compares: East Asian, 0.011%; no homozygotes.

Submissions (2):

Ambry Genetics
Classification: Uncertain significance. Last evaluated: 2023-07-25. Review status: criteria provided, single submitter. Criteria: Ambry Variant Classification Scheme 2023. Collection method: clinical testing. Allele origin: germline.

Labcorp Genetics (formerly Invitae), Labcorp
Classification: Uncertain significance. Last evaluated: 2019-12-05. Review status: criteria provided, single submitter. Criteria: Invitae Variant Classification Sherloc (09022015). Collection method: clinical testing. Allele origin: germline.
Comment: This variant has not been reported in the literature in individuals with CA4-related conditions. In summary, the available evidence is currently insufficient to determine the role of this variant in disease. Therefore, it has been classified as a Variant of Uncertain Significance. Algorithms developed to predict the effect of missense changes on protein structure and function output the following: SIFT: "Not Available"; PolyPhen-2: "Benign"; Align-GVGD: "Not Available". The glutamic acid amino acid residue is found in multiple mammalian species, suggesting that this missense change does not adversely affect protein function. These predictions have not been confirmed by published functional studies and their clinical significance is uncertain. This variant is not present in population databases (ExAC no frequency). This sequence change replaces aspartic acid with glutamic acid at codon 206 of the CA4 protein (p.Asp206Glu). The aspartic acid residue is moderately conserved and there is a small physicochemical difference between aspartic acid and glutamic acid.

NM_000717.5(CA4):c.618C>A (p.Asp206Glu)

Gene: CA4 (carbonic anhydrase 4; plus strand). Cytogenetic location: 17q23.1.
Variant type: single nucleotide variant.
Coding change: c.618C>A on transcript NM_000717.5 (MANE Select); coding-DNA position 618, C replaced by A.
Protein change: p.Asp206Glu; replaces aspartic acid 206 with glutamic acid.
Molecular consequence: missense variant. On other transcripts: non-coding transcript variant (1).
Genome position (GRCh38, 1-based): chr17:60,158,320, C>A. VCF-style: chr17-60158320-C-A. GRCh37 (hg19) VCF-style: chr17-58235681-C-A.
Other names: c.618C>A (NM_000717.3); short protein forms D206E.
Identifiers: ClinVar variation 858075 (VCV000858075.10), dbSNP rs1237307478, ClinGen allele CA400459453.